The following is an entry in ClinVar:

NM_207352.4(CYP4V2):c.988-3T>C

Gene: CYP4V2 (cytochrome P450 family 4 subfamily V member 2; plus strand). Cytogenetic location: 4q35.2.
Variant type: single nucleotide variant.
Coding change: c.988-3T>C on transcript NM_207352.4 (MANE Select); 3 bases into the intron before coding-DNA position 988, T replaced by C.
Molecular consequence: intron variant.
Genome position (GRCh38, 1-based): chr4:186,205,197, T>C. VCF-style: chr4-186205197-T-C. GRCh37 (hg19) VCF-style: chr4-187126351-T-C.
Identifiers: ClinVar variation 2109062 (VCV002109062.4), dbSNP rs1736460999, ClinGen allele CA1519888922.

ClinVar aggregate classification (germline): Uncertain significance (1 of 4 stars; one submission).

Allele frequency attached by ClinVar (database versions not stated): gnomAD exomes below 0.00001; TOPMed below 0.00001.
gnomAD v4.1: 2 of 1,614,176 alleles (0.00012%); highest among the groups gnomAD compares: Admixed American, 0.0033%; no homozygotes.

Submission:

Labcorp Genetics (formerly Invitae), Labcorp
Classification: Uncertain significance. Last evaluated: 2022-03-11. Review status: criteria provided, single submitter. Criteria: Invitae Variant Classification Sherloc (09022015). Collection method: clinical testing. Allele origin: germline.
Comment: In summary, the available evidence is currently insufficient to determine the role of this variant in disease. Therefore, it has been classified as a Variant of Uncertain Significance. This variant has not been reported in the literature in individuals affected with CYP4V2-related conditions. Variants that disrupt the consensus splice site are a relatively common cause of aberrant splicing (PMID: 17576681, 9536098). Algorithms developed to predict the effect of sequence changes on RNA splicing suggest that this variant may create or strengthen a splice site. This variant is not present in population databases (gnomAD no frequency). This sequence change falls in intron 7 of the CYP4V2 gene. It does not directly change the encoded amino acid sequence of the CYP4V2 protein. It affects a nucleotide within the consensus splice site.

Literature cited by the submitters: PubMed 17576681; PubMed 9536098.